The following is an entry in ClinVar:

ClinVar aggregate classification (germline): Pathogenic. Review status: criteria provided, multiple submitters, no conflicts (2 of 4 stars). 32 submissions from 31 submitters: Pathogenic (28). 4 of the submissions do not count toward it. Last evaluated 2026-06-15.

Conditions:
BARD1-related cancer predisposition. Identifiers: MedGen CN377756, MONDO:0700267.
BARD1-related disorder. Also called: BARD1-related condition.
Breast and/or ovarian cancer. Identifiers: MedGen CN221562.
Hereditary cancer-predisposing syndrome. Also called: Tumor predisposition; Hereditary neoplastic syndrome; Neoplastic Syndromes, Hereditary; Hereditary Cancer Syndrome. Identifiers: Orphanet 140162, MedGen C0027672, MeSH D009386, MONDO:0015356.
Hereditary breast ovarian cancer syndrome. Also called: Hereditary breast and ovarian cancer syndrome (HBOC); Hereditary breast and ovarian cancer; Hereditary breast and ovarian cancer syndrome; Breast and ovarian cancer; Hereditary breast and/or ovarian cancer syndrome; BRCA1- and BRCA2-Associated Hereditary Breast and Ovarian Cancer. Identifiers: Orphanet 145, MedGen C0677776, MeSH D061325, MONDO:0003582. Disease mechanism: loss of function.
Endometrial carcinoma. Also called: Endometrial carcinoma, somatic. Identifiers: MedGen C0476089, MONDO:0002447, OMIM 608089, HP:0012114.
Familial cancer of breast. Also called: Hereditary breast cancer; hereditary breast carcinoma; BREAST CANCER, FAMILIAL. Identifiers: Orphanet 227535, MedGen C0346153, MONDO:0016419, OMIM 114480. Disease mechanism: loss of function.
Triple-Negative Breast Cancer Finding. Identifiers: MedGen C2348819.

Allele frequency attached by ClinVar (database versions not stated): gnomAD exomes 0.00002; TOPMed 0.00002; gnomAD 0.00003; ExAC 0.00005.
gnomAD v4.1: 40 of 1,613,824 alleles (0.0025%); highest among the groups gnomAD compares: Middle Eastern, 0.016%; no homozygotes.

Submissions 1 to 11 of 32:

Institute of Human Genetics, University of Leipzig Medical Center
Classification: Pathogenic for Familial cancer of breast. Last evaluated: 2026-06-15. Review status: criteria provided, single submitter. Criteria: ACMG Guidelines, 2015. Collection method: clinical testing. Allele origin: unknown. Inheritance: Autosomal dominant inheritance. Affected: yes.
Comment: Criteria applied: PVS1,PS4,PS3_SUP

PreventionGenetics, part of Exact Sciences
Classification: Pathogenic for BARD1-related condition. Last evaluated: 2026-06-15. Review status: criteria provided, single submitter. Criteria: ACMG Guidelines, 2015. Collection method: clinical testing. Allele origin: germline.
Comment: The BARD1 c.1690C>T variant is predicted to result in premature protein termination (p.Gln564*). This variant has been reported in multiple individuals with breast and/or ovarian cancer (Ratajska et al. 2012. PubMed ID: 21344236; Klonowska et al. 2015. PubMed ID: 25994375; Table S7, Lilyquist et al. 2017. PubMed ID: 28888541; Shahi et al. 2019. PubMed ID: 30947698; Table S2, Weber-Lassalle et al. 2019. PubMed ID: 31036035). This variant is reported in 0.0054% of alleles in individuals of European (non-Finnish) descent in gnomAD and is interpreted as pathogenic in ClinVar (Variation ID: 127720). Nonsense variants in BARD1 are expected to be pathogenic. This variant is interpreted as pathogenic.

Labcorp Genetics (formerly Invitae), Labcorp
Classification: Pathogenic for Familial cancer of breast. Last evaluated: 2026-02-03. Review status: criteria provided, single submitter. Criteria: Invitae Variant Classification Sherloc (09022015). Collection method: clinical testing. Allele origin: germline.
Comment: This sequence change creates a premature translational stop signal (p.Gln564*) in the BARD1 gene. It is expected to result in an absent or disrupted protein product. Loss-of-function variants in BARD1 are known to be pathogenic (PMID: 20077502, 21344236). This variant is present in population databases (rs587780021, gnomAD 0.005%). This premature translational stop signal has been observed in individual(s) with breast and ovarian cancer (PMID: 21344236, 25994375, 26010302, 26315354, 26329992, 26681312, 27443514). ClinVar contains an entry for this variant (Variation ID: 127720). For these reasons, this variant has been classified as Pathogenic.

German Consortium for Hereditary Breast and Ovarian Cancer, University Hospital Cologne
Classification: Pathogenic for Hereditary breast ovarian cancer syndrome. Last evaluated: 2025-12-09. Review status: criteria provided, single submitter. Criteria: ACMG Guidelines, 2015. Collection method: curation. Allele origin: germline.
Comment: This classification follows the ACMG SVI adaptation classification scheme; We chose these criteria: PVS1 (very strong pathogenic): Null variant in a gene where loss of function (LOF) is a known mechanism of disease, PS3 (supporting pathogenic): Adamovich (PMID: 30925164): non function in HDR assay, PS4 (strong pathogenic): 61 families in GC-HBOC, More frequent in BC cases compared to controls PMID: 31142030; and Dorling et al. 17/60466 cases vs. 6/53461 controls

Color Diagnostics, LLC DBA Color Health
Classification: Pathogenic for Hereditary cancer-predisposing syndrome. Last evaluated: 2025-11-10. Review status: criteria provided, single submitter. Criteria: ACMG Guidelines, 2015. Collection method: clinical testing. Allele origin: germline.
Comment: This variant changes 1 nucleotide in exon 8 of the BARD1 gene, creating a premature translation stop signal. This variant is expected to result in an absent or non-functional protein product. This variant has been reported in over 15 individuals affected with breast or ovarian cancer (PMID: 25994375, 26010302, 26315354, 26329992, 26681312, 28008555, 29625052, 30947698, 31036035, 32679805, 37239058, 37563628) and one individual affected with endometrial cancer (PMID: 27443514). In a large breast cancer case-control meta analysis, this variant has been observed in 17/60449 cases and 6/53455 controls (PMID: 33471991Leiden Open Variation Database DB-ID BARD1_000187). This variant has been identified in 7/282686 chromosomes in the general population by the Genome Aggregation Database (gnomAD). Loss of BARD1 function is a known mechanism of disease. Based on the available evidence, this variant is classified as Pathogenic.

Institute for Biomarker Research, Medical Diagnostic Laboratories, L.L.C.
Classification: Pathogenic for Hereditary cancer-predisposing syndrome. Last evaluated: 2025-03-10. Review status: criteria provided, single submitter. Criteria: ACMG Guidelines, 2015. Collection method: clinical testing. Allele origin: germline.
Comment: The stop gained NM_000465.4(BARD1):c.1690C>T (p.Gln564Ter) has been reported to ClinVar as Pathogenic with a status of (2 stars) criteria provided, multiple submitters, no conflicts (Variation ID 127720 as of 2025-02-06).This variant is predicted to cause loss of normal protein function through protein truncation. This variant is a stop gained variant which occurs in an exon of BARD1 upstream of where nonsense mediated decay is predicted to occur. This variant has been previously classified as pathogenic, indicating that the region is critical to protein function. For these reasons, this variant has been classified as Pathogenic

Center for Genomic Medicine, Rigshospitalet, Copenhagen University Hospital
Classification: Pathogenic. Last evaluated: 2025-03-04. Review status: criteria provided, single submitter. Criteria: ACMG Guidelines, 2015. Collection method: clinical testing. Allele origin: germline.

Ambry Genetics
Classification: Pathogenic for Hereditary cancer-predisposing syndrome. Last evaluated: 2024-11-15. Review status: criteria provided, single submitter. Criteria: Ambry Variant Classification Scheme 2023. Collection method: clinical testing. Allele origin: germline.
Comment: The p.Q564* pathogenic mutation (also known as c.1690C>T), located in coding exon 8 of the BARD1 gene, results from a C to T substitution at nucleotide position 1690. This changes the amino acid from a glutamine to a stop codon within coding exon 8. This alteration has been reported in numerous patients diagnosed with breast and/or ovarian cancer (Ratajska M et al. Breast Cancer Res. Treat. 2012 Jan;131:89-97; Cybulski C et al. Clin. Genet. 2015 Oct;88:366-70; Klonowska K et al. Sci. Rep. 2015 May;5:10424; Ramus SJ et al. J Natl Cancer Inst. 2015 Nov;107:; Weber-Lassalle N et al. Breast Cancer Res. 2019 04;21:55; Shahi RB et al. BMC Cancer. 2019 Apr;19:313). In addition to the clinical data presented in the literature, this alteration is expected to result in loss of function by premature protein truncation or nonsense-mediated mRNA decay. As such, this alteration is interpreted as a disease-causing mutation.

Blueprint Genetics
Classification: Pathogenic for BARD1-related disorders. Last evaluated: 2024-10-14. Review status: criteria provided, single submitter. Criteria: ACMG Guidelines, 2015. Collection method: clinical testing. Allele origin: germline. Affected: yes. Observed: 5 variant alleles.

Quest Diagnostics Nichols Institute San Juan Capistrano
Classification: Pathogenic. Last evaluated: 2024-10-08. Review status: criteria provided, single submitter. Criteria: Quest Diagnostics criteria. Collection method: clinical testing. Allele origin: unknown.
Comment: The BARD1 c.1690C>T (p.Gln564*) variant causes the premature termination of BARD1 protein synthesis. This variant has been reported in the published literature in patients with breast/ovarian cancer (PMIDs: 21344236 (2012), 26315354 (2015), 26329992 (2015), 26010302 (2016), 27153395 (2016), 30947698 (2019), 31036035 (2019), 37239058 (2023), and 37563628 (2023)), male breast cancer (PMID: 28008555 (2017)), endometrial cancer (PMID: 27443514 (2016)), and in a cohort of individuals tested for Lynch syndrome (PMID: 25980754 (2015)). The frequency of this variant in the general population, 0.000054 (7/129052 chromosomes (Genome Aggregation Database)), is consistent with pathogenicity. Based on the available information, this variant is classified as pathogenic.

Molecular Pathology, Peter Maccallum Cancer Centre
Classification: Pathogenic for BARD1-related cancer predisposition. Last evaluated: 2024-09-06. Review status: criteria provided, single submitter. Criteria: ACMG Guidelines, 2015. Collection method: clinical testing. Allele origin: germline. Inheritance: Autosomal dominant inheritance.

NM_000465.4(BARD1):c.1690C>T (p.Gln564Ter)

Gene: BARD1 (BRCA1 associated RING domain 1; minus strand). Cytogenetic location: 2q35.
Variant type: single nucleotide variant.
Coding change: c.1690C>T on transcript NM_000465.4 (MANE Select); coding-DNA position 1690, C replaced by T.
Protein change: p.Gln564Ter; replaces glutamine 564 with a stop codon.
Molecular consequence: nonsense. On other transcripts: non-coding transcript variant (3), intron variant (1).
Genome position (GRCh38, 1-based): chr2:214,745,842, G>A on the plus strand (C>T on the coding strand, the complement: BARD1 is on the minus strand). VCF-style: chr2-214745842-G-A. GRCh37 (hg19) VCF-style: chr2-215610566-G-A.
Other names: p.Q564*:CAG>TAG; c.1633C>T, p.Gln545Ter (NM_001282543.2); c.337C>T, p.Gln113Ter (NM_001282545.2); c.280C>T, p.Gln94Ter (NM_001282548.2); c.365-15334C>T (NM_001282549.2); short protein forms Q564*, Q545*, Q94*, Q113*.
Identifiers: ClinVar variation 127720 (VCV000127720.109), dbSNP rs587780021, ClinGen allele CA287518.